The following is an entry in ClinVar:

ClinVar aggregate classification (germline): Uncertain significance (1 of 4 stars; one submission).

gnomAD v4.1: 1 of 1,606,800 alleles (0.000062%); no homozygotes.

Submission:

GeneDx
Classification: Uncertain significance. Last evaluated: 2021-04-13. Review status: criteria provided, single submitter. Criteria: GeneDx Variant Classification Process June 2021. Collection method: clinical testing. Allele origin: germline. Affected: yes.
Comment: Not observed in large population cohorts (Lek et al., 2016); In silico analysis supports that this missense variant has a deleterious effect on protein structure/function; Has not been previously published as pathogenic or benign to our knowledge

NM_001330078.2(NRXN1):c.3252C>G (p.Ser1084Arg)

Gene: NRXN1 (neurexin 1; minus strand). Cytogenetic location: 2p16.3.
Variant type: single nucleotide variant.
Coding change: c.3252C>G on transcript NM_001330078.2 (MANE Select); coding-DNA position 3252, C replaced by G.
Protein change: p.Ser1084Arg; replaces serine 1084 with arginine.
Molecular consequence: missense variant.
Genome position (GRCh38, 1-based): chr2:50,465,554, G>C on the plus strand (C>G on the coding strand, the complement: NRXN1 is on the minus strand). VCF-style: chr2-50465554-G-C. GRCh37 (hg19) VCF-style: chr2-50692692-G-C.
Other names: c.3372C>G, p.Ser1124Arg (NM_001135659.3); c.3228C>G, p.Ser1076Arg (NM_001330077.2, NM_001330082.2); c.3186C>G, p.Ser1062Arg (NM_001330083.2, NM_001330084.2); c.3225C>G, p.Ser1075Arg (NM_001330085.2); c.3252C>G, p.Ser1084Arg (NM_001330086.2, NM_004801.6); c.3141C>G, p.Ser1047Arg (NM_001330087.2, NM_001330096.2); c.3171C>G, p.Ser1057Arg (NM_001330088.2); c.3249C>G, p.Ser1083Arg (NM_001330093.2); and 2 more; short protein forms S1047R, S1057R, S1062R, S1067R, S1075R, S1076R, S1080R, S1083R.
Identifiers: ClinVar variation 1320843 (VCV001320843.2), dbSNP rs2088734874, ClinGen allele CA346770953.
Genomic context (GRCh38, chr2:50,465,554, plus strand): 5'-GCCATCCCATTGTTGCAAGCACACACCTTGATTGGAACATGAGTCCTCTTGGCAGGTTGT[G>C]CTGGGCCCTGCAAAACAATCCAAAGGAAACTTGGGTTCTTTAAAAGAATCCAAAAGCATT-3'
Protein context (NP_001317007.1, residues 1074-1094): GQIERGCEGP[Ser1084Arg]TTCQEDSCSN